The following is an entry in ClinVar:

NM_000059.4(BRCA2):c.5065G>A (p.Ala1689Thr)

Gene: BRCA2 (BRCA2 DNA repair associated; plus strand). Cytogenetic location: 13q13.1.
Variant type: single nucleotide variant.
Coding change: c.5065G>A on transcript NM_000059.4 (MANE Select); coding-DNA position 5065, G replaced by A.
Protein change: p.Ala1689Thr; replaces alanine 1689 with threonine.
Molecular consequence: missense variant.
Genome position (GRCh38, 1-based): chr13:32,339,420, G>A. VCF-style: chr13-32339420-G-A. GRCh37 (hg19) VCF-style: chr13-32913557-G-A.
Other names: short protein forms A1689T.
Identifiers: ClinVar variation 847071 (VCV000847071.13), dbSNP rs767200163, ClinGen allele CA6940844.

ClinVar aggregate classification (germline): Conflicting classifications of pathogenicity. Review status: criteria provided, conflicting classifications (1 of 4 stars). 3 submissions from 3 submitters: Uncertain significance (2); Likely benign (1). Last evaluated 2023-03-23.

Conditions:
Hereditary breast ovarian cancer syndrome. Also called: Breast and ovarian cancer; Hereditary breast and ovarian cancer; Hereditary breast and/or ovarian cancer syndrome; BRCA1- and BRCA2-Associated Hereditary Breast and Ovarian Cancer; Hereditary breast and ovarian cancer syndrome; Hereditary breast and ovarian cancer syndrome (HBOC). Identifiers: Orphanet 145, MedGen C0677776, MeSH D061325, MONDO:0003582. Disease mechanism: loss of function.
Hereditary cancer-predisposing syndrome. Also called: Tumor predisposition; Hereditary neoplastic syndrome; Neoplastic Syndromes, Hereditary; Hereditary Cancer Syndrome. Identifiers: Orphanet 140162, MedGen C0027672, MeSH D009386, MONDO:0015356.

Allele frequency attached by ClinVar (database versions not stated): gnomAD exomes below 0.00001; ExAC 0.00001; gnomAD 0.00001.

Submissions (3):

University of Washington Department of Laboratory Medicine, University of Washington
Classification: Likely benign for Hereditary cancer-predisposing syndrome. Last evaluated: 2023-03-23. Review status: criteria provided, single submitter. Criteria: Dines et al. (Genet Med. 2020). Collection method: curation. Allele origin: germline.
Comment: Missense variant in a coldspot region where missense variants are very unlikely to be pathogenic (PMID:31911673).

BRCA2 exon 11 coldspot. Reclassification based on statistical prior probability.

Ambry Genetics
Classification: Uncertain significance for Hereditary cancer-predisposing syndrome. Last evaluated: 2020-04-15. Review status: criteria provided, single submitter. Criteria: Ambry Variant Classification Scheme 2023. Collection method: clinical testing. Allele origin: germline.
Comment: The p.A1689T variant (also known as c.5065G>A), located in coding exon 10 of the BRCA2 gene, results from a G to A substitution at nucleotide position 5065. The alanine at codon 1689 is replaced by threonine, an amino acid with similar properties. This amino acid position is not well conserved in available vertebrate species. In addition, the in silico prediction for this alteration is inconclusive. Since supporting evidence is limited at this time, the clinical significance of this alteration remains unclear.

Labcorp Genetics (formerly Invitae), Labcorp
Classification: Uncertain significance for Hereditary breast ovarian cancer syndrome. Last evaluated: 2019-12-08. Review status: criteria provided, single submitter. Criteria: Invitae Variant Classification Sherloc (09022015). Collection method: clinical testing. Allele origin: germline.
Comment: In summary, the available evidence is currently insufficient to determine the role of this variant in disease. Therefore, it has been classified as a Variant of Uncertain Significance. Algorithms developed to predict the effect of missense changes on protein structure and function (SIFT, PolyPhen-2, Align-GVGD) all suggest that this variant is likely to be tolerated, but these predictions have not been confirmed by published functional studies and their clinical significance is uncertain. This variant has not been reported in the literature in individuals with BRCA2-related conditions. This variant is present in population databases (rs767200163, ExAC 0.002%). This sequence change replaces alanine with threonine at codon 1689 of the BRCA2 protein (p.Ala1689Thr). The alanine residue is moderately conserved and there is a small physicochemical difference between alanine and threonine.